The following is an entry in ClinVar:

NM_000143.4(FH):c.1186G>C (p.Val396Leu)

Gene: FH (fumarate hydratase; minus strand). Cytogenetic location: 1q43.
Variant type: single nucleotide variant.
Coding change: c.1186G>C on transcript NM_000143.4 (MANE Select); coding-DNA position 1186, G replaced by C.
Protein change: p.Val396Leu; replaces valine 396 with leucine.
Molecular consequence: missense variant.
Genome position (GRCh38, 1-based): chr1:241,502,493, C>G on the plus strand (G>C on the coding strand, the complement: FH is on the minus strand). VCF-style: chr1-241502493-C-G. GRCh37 (hg19) VCF-style: chr1-241665793-C-G.
Other names: short protein forms V396L.
Identifiers: ClinVar variation 1372937 (VCV001372937.10), dbSNP rs753996659, ClinGen allele CA1478532.

ClinVar aggregate classification (germline): Uncertain significance. Review status: criteria provided, multiple submitters, no conflicts (2 of 4 stars). 3 submissions from 3 submitters: Uncertain significance (3). Last evaluated 2025-01-30.

Conditions:
Hereditary cancer-predisposing syndrome. Also called: Neoplastic Syndromes, Hereditary; Tumor predisposition; Hereditary neoplastic syndrome; Hereditary Cancer Syndrome. Identifiers: Orphanet 140162, MedGen C0027672, MeSH D009386, MONDO:0015356.

Allele frequency attached by ClinVar (database versions not stated): ExAC 0.00001.

Submissions (3):

Ambry Genetics
Classification: Uncertain significance for Hereditary cancer-predisposing syndrome. Last evaluated: 2025-01-30. Review status: criteria provided, single submitter. Criteria: Ambry Variant Classification Scheme 2023. Collection method: clinical testing. Allele origin: germline.
Comment: The p.V396L variant (also known as c.1186G>C), located in coding exon 8 of the FH gene, results from a G to C substitution at nucleotide position 1186. The valine at codon 396 is replaced by leucine, an amino acid with highly similar properties. This amino acid position is conserved. In addition, the in silico prediction for this alteration is inconclusive. Based on the available evidence, the clinical significance of this variant remains unclear.

Labcorp Genetics (formerly Invitae), Labcorp
Classification: Uncertain significance. Last evaluated: 2024-11-24. Review status: criteria provided, single submitter. Criteria: Invitae Variant Classification Sherloc (09022015). Collection method: clinical testing. Allele origin: germline.
Comment: This sequence change replaces valine, which is neutral and non-polar, with leucine, which is neutral and non-polar, at codon 396 of the FH protein (p.Val396Leu). This variant is not present in population databases (gnomAD no frequency). This variant has not been reported in the literature in individuals affected with FH-related conditions. ClinVar contains an entry for this variant (Variation ID: 1372937). Invitae Evidence Modeling of protein sequence and biophysical properties (such as structural, functional, and spatial information, amino acid conservation, physicochemical variation, residue mobility, and thermodynamic stability) has been performed for this missense variant. However, the output from this modeling did not meet the statistical confidence thresholds required to predict the impact of this variant on FH protein function. In summary, the available evidence is currently insufficient to determine the role of this variant in disease. Therefore, it has been classified as a Variant of Uncertain Significance.

GeneDx
Classification: Uncertain significance. Last evaluated: 2022-06-08. Review status: criteria provided, single submitter. Criteria: GeneDx Variant Classification Process June 2021. Collection method: clinical testing. Allele origin: germline. Affected: yes.
Comment: Not observed at significant frequency in large population cohorts (gnomAD); In silico analysis supports that this missense variant does not alter protein structure/function; Has not been previously published as pathogenic or benign to our knowledge